The following is an entry in ClinVar:

ClinVar aggregate classification (germline): Benign (1 of 4 stars; one submission).

Allele frequency attached by ClinVar (database versions not stated): gnomAD exomes 0.29782; gnomAD 0.30706; TOPMed 0.30980; 1000 Genomes Project 30x 0.39959; 1000 Genomes Project 0.40535.
gnomAD v4.1: 47,385 of 154,876 alleles (31%); highest among the groups gnomAD compares: East Asian, 81%; 8,180 homozygotes.

Submission:

Unidad de Genómica Garrahan, Hospital de Pediatría Garrahan
Classification: Benign. Last evaluated: 2024-07-15. Review status: criteria provided, single submitter. Criteria: ACMG Guidelines, 2015. Collection method: clinical testing. Allele origin: germline. Affected: no. Observed: 25 variant alleles.
Comment: This variant is classified as Benign based on local population frequency. This variant was detected in 27% of patients studied in a panel designed for Epileptic and Developmental Encephalopathy and Progressive Myoclonus Epilepsy. Number of patients: 25. Only high quality variants are reported.

NM_025243.4(SLC19A3):c.-2-4439G>A

Gene: SLC19A3 (solute carrier family 19 member 3; minus strand). Cytogenetic location: 2q36.3.
Variant type: single nucleotide variant.
Coding change: c.-2-4439G>A on transcript NM_025243.4 (MANE Select); 4439 bases into the intron before 2 bases upstream of the start codon, G replaced by A.
Molecular consequence: intron variant. On other transcripts: 5 prime UTR variant (1).
Genome position (GRCh38, 1-based): chr2:227,706,759, C>T on the plus strand (G>A on the coding strand, the complement: SLC19A3 is on the minus strand). VCF-style: chr2-227706759-C-T. GRCh37 (hg19) VCF-style: chr2-228571475-C-T.
Other names: c.-655G>A (NM_001371414.1); c.-210-4439G>A (NM_001371413.1); c.-2-4439G>A (NM_001371411.1).
Identifiers: ClinVar variation 3255303 (VCV003255303.2), dbSNP rs6708238.